The following is an entry in ClinVar:

ClinVar aggregate classification (germline): Likely pathogenic (1 of 4 stars; one submission).

Submission:

Labcorp Genetics (formerly Invitae), Labcorp
Classification: Likely pathogenic. Last evaluated: 2025-03-12. Review status: criteria provided, single submitter. Criteria: Invitae Variant Classification Sherloc (09022015). Collection method: clinical testing. Allele origin: germline.
Comment: This variant results in the deletion of part of exon 4 (c.304-15_365del) of the LARP7 gene. It is expected to disrupt RNA splicing. Variants that disrupt the donor or acceptor splice site typically lead to a loss of protein function (PMID: 16199547), and loss-of-function variants in LARP7 are known to be pathogenic (PMID: 22865833, 26374271, 26607181). This variant is not present in population databases (gnomAD no frequency). This variant has not been reported in the literature in individuals affected with LARP7-related conditions. In summary, the currently available evidence indicates that the variant is pathogenic, but additional data are needed to prove that conclusively. Therefore, this variant has been classified as Likely Pathogenic.

Literature cited by the submitters: PubMed 16199547; PubMed 22865833; PubMed 26374271; PubMed 26607181.

NM_016648.4(LARP7):c.304-15_365del

Gene: LARP7 (La ribonucleoprotein 7, transcriptional regulator; plus strand). Cytogenetic location: 4q25.
Variant type: Deletion.
Coding change: c.304-15_365del on transcript NM_016648.4 (MANE Select); 15 bases into the intron before coding-DNA position 304 through coding-DNA position 365, 77 bases deleted.
Molecular consequence: splice acceptor variant.
Genome position (GRCh38, 1-based): chr4:112,646,573-112,646,649, 77 bases deleted. GRCh37 (hg19): chr4:113,567,729-113,567,805.
Other names: c.304-15_365del (NM_001267039.4, NM_001370974.1, NM_001370976.1 and 6 more transcripts); c.67-15_128del (NM_001370982.1, NM_001370981.1).
Identifiers: ClinVar variation 4806082 (VCV004806082.1).